The following is an entry in ClinVar:

NM_001039876.3(SYNE4):c.1102G>A (p.Val368Met)

Gene: SYNE4 (spectrin repeat containing nuclear envelope family member 4; minus strand). Cytogenetic location: 19q13.12.
Variant type: single nucleotide variant.
Coding change: c.1102G>A on transcript NM_001039876.3 (MANE Select); coding-DNA position 1102, G replaced by A.
Protein change: p.Val368Met; replaces valine 368 with methionine.
Molecular consequence: missense variant.
Genome position (GRCh38, 1-based): chr19:36,003,450, C>T on the plus strand (G>A on the coding strand, the complement: SYNE4 is on the minus strand). VCF-style: chr19-36003450-C-T. GRCh37 (hg19) VCF-style: chr19-36494352-C-T.
Other names: c.763G>A, p.Val255Met (NM_001297735.3); c.1102G>A (NM_001039876.1); short protein forms V368M, V255M.
Identifiers: ClinVar variation 235735 (VCV000235735.29), dbSNP rs141202530, ClinGen allele CA9393749.

ClinVar aggregate classification (germline): Conflicting classifications of pathogenicity. Review status: criteria provided, conflicting classifications (1 of 4 stars). 9 submissions from 9 submitters: Uncertain significance (3); Benign (2); Likely benign (3). 1 of the submissions does not count toward it. Last evaluated 2026-05-01.

Conditions:
SYNE4-related disorder. Also called: SYNE4-related condition.

Allele frequency attached by ClinVar (database versions not stated): gnomAD 0.00192 and 0.00176; TOPMed 0.00206; ExAC 0.00057; 1000 Genomes Project 0.00100; 1000 Genomes Project 30x 0.00125; ESP Exome Variant Server 0.00161.
gnomAD v4.1: 578 of 1,613,040 alleles (0.036%); highest among the groups gnomAD compares: African/African-American, 0.65%; 3 homozygotes.

Submissions (10):

CeGaT Center for Human Genetics Tuebingen
Classification: Likely benign. Last evaluated: 2026-05-01. Review status: criteria provided, single submitter. Criteria: CeGaT Center For Human Genetics Tuebingen Variant Classification Criteria Version 2. Collection method: clinical testing. Allele origin: germline. Affected: yes. Observed: 2 variant alleles.
Comment: SYNE4: BP4, BS2

Labcorp Genetics (formerly Invitae), Labcorp
Classification: Benign. Last evaluated: 2026-01-26. Review status: criteria provided, single submitter. Criteria: Invitae Variant Classification Sherloc (09022015). Collection method: clinical testing. Allele origin: germline.

Women's Health and Genetics/Laboratory Corporation of America, LabCorp
Classification: Likely benign. Last evaluated: 2025-10-08. Review status: criteria provided, single submitter. Criteria: LabCorp Variant Classification Summary - May 2015. Collection method: clinical testing. Allele origin: germline.
Comment: Variant summary: SYNE4 c.1102G>A (p.Val368Met) results in a conservative amino acid change in the encoded protein sequence. Algorithms developed to predict the effect of missense changes on protein structure and function all suggest that this variant is likely to be tolerated. The variant allele was found at a frequency of 0.00051 in 245828 control chromosomes, predominantly at a frequency of 0.007 within the African or African-American subpopulation in the gnomAD database, including 1 homozygotes. The observed variant frequency within African or African-American control individuals in the gnomAD database exceeds the estimated maximal expected allele frequency for disease-causing variants in SYNE4. To our knowledge, no occurrence of c.1102G>A in individuals affected with SYNE4-related conditions and no experimental evidence demonstrating its impact on protein function have been reported. ClinVar contains an entry for this variant (Variation ID: 235735). Based on the evidence outlined above, the variant was classified as likely benign.

Ambry Genetics
Classification: Uncertain significance. Last evaluated: 2025-08-02. Review status: criteria provided, single submitter. Criteria: Ambry Variant Classification Scheme 2023. Collection method: clinical testing. Allele origin: germline.

GeneDx
Classification: Benign. Last evaluated: 2019-12-04. Review status: criteria provided, single submitter. Criteria: GeneDx Variant Classification Process June 2021. Collection method: clinical testing. Allele origin: germline. Affected: yes.

Eurofins Ntd Llc (ga)
Classification: Uncertain significance. Last evaluated: 2017-11-02. Review status: criteria provided, single submitter. Criteria: EGL Classification Definitions 2015. Collection method: clinical testing. Allele origin: germline. Observed: 1 variant allele, 1 heterozygote.

Center for Pediatric Genomic Medicine, Children's Mercy Hospital and Clinics
Classification: Uncertain significance. Last evaluated: 2016-05-12. Review status: criteria provided, single submitter. Criteria: ACMG Guidelines, 2015. Collection method: clinical testing. Allele origin: germline.
ClinVar note: Converted during submission from Uncertain Significance to Uncertain significance.

Laboratory for Molecular Medicine, Mass General Brigham Personalized Medicine
Classification: Likely benign. Last evaluated: 2014-11-24. Review status: criteria provided, single submitter. Criteria: LMM Criteria. Collection method: clinical testing. Allele origin: germline. Observed: 1 variant allele.
Comment: Val368Met in exon 8 of SYNE4: This variant is not expected to have clinical significance because it has been identified in 0.5% (20/4058) of African American chromosomes from a broad population by the NHLBI Exome Sequencing Project (dbSNP rs141202530).

PreventionGenetics, part of Exact Sciences
Classification: Likely benign for SYNE4-related condition. Last evaluated: 2020-01-29. Review status: no assertion criteria provided. Collection method: clinical testing. Allele origin: germline. Not counted in ClinVar's aggregate classification.
Comment: This variant is classified as likely benign based on ACMG/AMP sequence variant interpretation guidelines (Richards et al. 2015 PMID: 25741868, with internal and published modifications).

Dr. Peter K. Rogan Lab, Western University
No classification provided (evidence only). Condition: Familial cancer of breast. Review status: no classification provided. Collection method: in vitro. Allele origin: not applicable. Functional consequence: retained intron. Not counted in ClinVar's aggregate classification.